The following is an entry in ClinVar:

ClinVar aggregate classification (germline): Pathogenic. Review status: criteria provided, single submitter (1 of 4 stars). 2 submissions from 2 submitters: Pathogenic (1). 1 of the submissions does not count toward it. Last evaluated 2024-03-07.

Conditions:
Hypercalcemia, infantile, 2 (HCINF2). Identifiers: Orphanet 300547, MedGen C4310473, MONDO:0014851, OMIM 616963.

gnomAD v4.1: 13 of 1,614,070 alleles (0.00081%); highest among the groups gnomAD compares: Non-Finnish European, 0.001%; no homozygotes.

Submissions (2):

Labcorp Genetics (formerly Invitae), Labcorp
Classification: Pathogenic. Last evaluated: 2024-03-07. Review status: criteria provided, single submitter. Criteria: Invitae Variant Classification Sherloc (09022015). Collection method: clinical testing. Allele origin: germline.
Comment: This sequence change replaces glycine, which is neutral and non-polar, with alanine, which is neutral and non-polar, at codon 153 of the SLC34A1 protein (p.Gly153Ala). This variant is present in population databases (no rsID available, gnomAD 0.0009%). This missense change has been observed in individual(s) with infantile hypercalcemia (PMID: 26047794). In at least one individual the data is consistent with being in trans (on the opposite chromosome) from a pathogenic variant. ClinVar contains an entry for this variant (Variation ID: 234930). Advanced modeling of protein sequence and biophysical properties (such as structural, functional, and spatial information, amino acid conservation, physicochemical variation, residue mobility, and thermodynamic stability) performed at Invitae indicates that this missense variant is expected to disrupt SLC34A1 protein function with a positive predictive value of 80%. Experimental studies have shown that this missense change affects SLC34A1 function (PMID: 26047794). For these reasons, this variant has been classified as Pathogenic.

OMIM
Classification: Pathogenic for HYPERCALCEMIA, INFANTILE, 2. Last evaluated: 2016-10-06. Review status: no assertion criteria provided. Collection method: literature only. Allele origin: germline. Not counted in ClinVar's aggregate classification.

Literature cited by the submitters: PubMed 26047794 (cited by Labcorp Genetics (formerly Invitae), Labcorp and OMIM); PubMed 20466674 (cited by OMIM).

NM_003052.5(SLC34A1):c.458G>C (p.Gly153Ala)

Gene: SLC34A1 (solute carrier family 34 member 1; plus strand). Cytogenetic location: 5q35.3.
Variant type: single nucleotide variant.
Coding change: c.458G>C on transcript NM_003052.5 (MANE Select); coding-DNA position 458, G replaced by C.
Protein change: p.Gly153Ala; replaces glycine 153 with alanine.
Molecular consequence: missense variant.
Genome position (GRCh38, 1-based): chr5:177,386,492, G>C. VCF-style: chr5-177386492-G-C. GRCh37 (hg19) VCF-style: chr5-176813493-G-C.
Other names: c.458G>C, p.Gly153Ala (NM_001167579.2); short protein forms G153A.
Identifiers: ClinVar variation 234930 (VCV000234930.5), dbSNP rs769409705, ClinGen allele CA10581121.
Genomic context (GRCh38, chr5:177,386,492, plus strand): 5'-CTGGTGACATCTTCAAGGATAACGCCATCCTGTCCAACCCGGTGGCCGGGCTGGTGGTGG[G>C]GATCCTGGTGACCGTGCTGGTGCAGAGCTCCAGCACCTCCACATCCATCATCGTCAGCAT-3'
Protein context (NP_003043.3, residues 143-163): LSNPVAGLVV[Gly153Ala]ILVTVLVQSS